The following is an entry in ClinVar:

ClinVar aggregate classification (germline): Likely benign (1 of 4 stars; one submission).

Allele frequency attached by ClinVar (database versions not stated): gnomAD exomes 0.00029; ExAC 0.00079; 1000 Genomes Project 0.00260; 1000 Genomes Project 30x 0.00265; gnomAD 0.00279; TOPMed 0.00300; ESP Exome Variant Server 0.00394.
gnomAD v4.1: 856 of 1,613,744 alleles (0.053%); highest among the groups gnomAD compares: African/African-American, 0.97%; 6 homozygotes.

Submission:

CeGaT Center for Human Genetics Tuebingen
Classification: Likely benign. Last evaluated: 2022-11-01. Review status: criteria provided, single submitter. Criteria: CeGaT Center For Human Genetics Tuebingen Variant Classification Criteria Version 2. Collection method: clinical testing. Allele origin: germline. Affected: yes. Observed: 1 variant allele.
Comment: ZFHX4: BP4, BP7, BS2

NM_024721.5(ZFHX4):c.1497T>C (p.Asp499=)

Gene: ZFHX4 (zinc finger homeobox 4; plus strand). Cytogenetic location: 8q21.13.
Variant type: single nucleotide variant.
Coding change: c.1497T>C on transcript NM_024721.5 (MANE Select); coding-DNA position 1497, T replaced by C.
Protein change: p.Asp499=; no amino-acid change (aspartic acid 499 retained).
Molecular consequence: synonymous variant.
Genome position (GRCh38, 1-based): chr8:76,705,585, T>C. VCF-style: chr8-76705585-T-C. GRCh37 (hg19) VCF-style: chr8-77617820-T-C.
Other names: c.1497T>C, p.Asp499= (NM_001410934.1).
Identifiers: ClinVar variation 2658659 (VCV002658659.24), dbSNP rs140868075, ClinGen allele CA4786839.